The following is an entry in ClinVar:

ClinVar aggregate classification (germline): Uncertain significance. Review status: criteria provided, multiple submitters, no conflicts (2 of 4 stars). 2 submissions from 2 submitters: Uncertain significance (2). Last evaluated 2024-12-02.

Conditions:
Hereditary cancer-predisposing syndrome. Also called: Neoplastic Syndromes, Hereditary; Tumor predisposition; Hereditary neoplastic syndrome; Hereditary Cancer Syndrome. Identifiers: Orphanet 140162, MedGen C0027672, MeSH D009386, MONDO:0015356.
Familial cancer of breast. Also called: BREAST CANCER, FAMILIAL; Hereditary breast cancer; hereditary breast carcinoma. Identifiers: Orphanet 227535, MedGen C0346153, MONDO:0016419, OMIM 114480. Disease mechanism: loss of function.

Allele frequency attached by ClinVar (database versions not stated): gnomAD exomes below 0.00001.
gnomAD v4.1: 1 of 1,614,104 alleles (0.000062%); highest among the groups gnomAD compares: Non-Finnish European, 0.000085%; no homozygotes.

Submissions (2):

Ambry Genetics
Classification: Uncertain significance for Hereditary cancer-predisposing syndrome. Last evaluated: 2024-12-02. Review status: criteria provided, single submitter. Criteria: Ambry Variant Classification Scheme 2023. Collection method: clinical testing. Allele origin: germline.
Comment: The p.I332M variant (also known as c.996T>G), located in coding exon 4 of the BARD1 gene, results from a T to G substitution at nucleotide position 996. The isoleucine at codon 332 is replaced by methionine, an amino acid with highly similar properties. This amino acid position is not well conserved in available vertebrate species. In addition, this alteration is predicted to be tolerated by in silico analysis. Since supporting evidence is limited at this time, the clinical significance of this alteration remains unclear.

Labcorp Genetics (formerly Invitae), Labcorp
Classification: Uncertain significance for Familial cancer of breast. Last evaluated: 2024-10-02. Review status: criteria provided, single submitter. Criteria: Invitae Variant Classification Sherloc (09022015). Collection method: clinical testing. Allele origin: germline.
Comment: This sequence change replaces isoleucine, which is neutral and non-polar, with methionine, which is neutral and non-polar, at codon 332 of the BARD1 protein (p.Ile332Met). This variant is not present in population databases (gnomAD no frequency). This variant has not been reported in the literature in individuals affected with BARD1-related conditions. ClinVar contains an entry for this variant (Variation ID: 823585). An algorithm developed to predict the effect of missense changes on protein structure and function (PolyPhen-2) suggests that this variant is likely to be tolerated. In summary, the available evidence is currently insufficient to determine the role of this variant in disease. Therefore, it has been classified as a Variant of Uncertain Significance.

NM_000465.4(BARD1):c.996T>G (p.Ile332Met)

Gene: BARD1 (BRCA1 associated RING domain 1; minus strand). Cytogenetic location: 2q35.
Variant type: single nucleotide variant.
Coding change: c.996T>G on transcript NM_000465.4 (MANE Select); coding-DNA position 996, T replaced by G.
Protein change: p.Ile332Met; replaces isoleucine 332 with methionine.
Molecular consequence: missense variant. On other transcripts: non-coding transcript variant (2), intron variant (3).
Genome position (GRCh38, 1-based): chr2:214,780,878, A>C on the plus strand (T>G on the coding strand, the complement: BARD1 is on the minus strand). VCF-style: chr2-214780878-A-C. GRCh37 (hg19) VCF-style: chr2-215645602-A-C.
Other names: c.939T>G, p.Ile313Met (NM_001282543.2); c.159-28323T>G (NM_001282548.2); c.215+16183T>G (NM_001282545.2); c.364+11419T>G (NM_001282549.2); short protein forms I313M, I332M.
Identifiers: ClinVar variation 823585 (VCV000823585.15), dbSNP rs1574818059, ClinGen allele CA350454458.